The following is an entry in ClinVar:

ClinVar aggregate classification (germline): Uncertain significance (1 of 4 stars; one submission).

Conditions:
Malignant hyperthermia, susceptibility to, 1 (MHS1). Also called: RYR1-Related Malignant Hyperthermia Susceptibility; Malignant hyperthermia suceptibility 1; Anesthesia related hyperthermia; Malignant hyperpyrexia; Fulminating hyperpyrexia; Pharmacogenic myopathy. Identifiers: Orphanet 423, MedGen C2930980, MONDO:0007783, OMIM 145600.

Submission:

Color Diagnostics, LLC DBA Color Health
Classification: Uncertain significance for Malignant hyperthermia, susceptibility to, 1. Last evaluated: 2025-07-16. Review status: criteria provided, single submitter. Criteria: ACMG Guidelines, 2015. Collection method: clinical testing. Allele origin: germline.
Comment: This variant results in a substitution of 3 consecutive nucleotides at positions +5 through +8 in intron 48 of the RYR1 gene. To our knowledge, functional studies have not been reported for this variant. This variant has not been reported in individuals affected with RYR1-related disorders in the literature. This variant has not been identified in the general population by the Genome Aggregation Database (gnomAD). The available evidence is insufficient to determine the role of this variant in disease conclusively. Therefore, this variant is classified as a Variant of Uncertain Significance.

NM_000540.3(RYR1):c.7835+5_7835+8delinsGGC

Gene: RYR1 (ryanodine receptor 1; plus strand). Cytogenetic location: 19q13.2.
Variant type: Indel.
Coding change: c.7835+5_7835+8delinsGGC on transcript NM_000540.3 (MANE Select); bases 5 to 8 of the intron after coding-DNA position 7835, AGCG replaced by GGC.
Molecular consequence: intron variant.
Genome position (GRCh38, 1-based): chr19:38,502,732-38,502,735, AGCG replaced by GGC. VCF-style: chr19-38502732-AGCG-GGC. GRCh37 (hg19) VCF-style: chr19-38993372-AGCG-GGC.
Other names: c.7835+5_7835+8delinsGGC (NM_001042723.2).
Identifiers: ClinVar variation 4758950 (VCV004758950.1).
Genomic context (GRCh38, chr19:38,502,732, plus strand): 5'-TCGCTCACCAAGGCGCAGCGTGACGTCATCGAGGACTGCCTCATGTCGCTCTGCAGGTGG[AGCG>GGC]GGGCAGGCTTCAGGGTGGGGCAGGGGCAGGGGCAGGGGCAGGGGCAGGGGCAGGGGCAGG-3'